The following is an entry in ClinVar:

NM_000551.4(VHL):c.230G>C (p.Cys77Ser)

Gene: VHL (von Hippel-Lindau tumor suppressor; plus strand). Cytogenetic location: 3p25.3.
Variant type: single nucleotide variant.
Coding change: c.230G>C on transcript NM_000551.4 (MANE Select); coding-DNA position 230, G replaced by C.
Protein change: p.Cys77Ser; replaces cysteine 77 with serine.
Molecular consequence: missense variant.
Genome position (GRCh38, 1-based): chr3:10,142,077, G>C. VCF-style: chr3-10142077-G-C. GRCh37 (hg19) VCF-style: chr3-10183761-G-C.
Other names: c.230G>C, p.Cys77Ser (NM_001354723.2, NM_198156.3); c.230G>C (NM_000551.3); short protein forms C77S.
Identifiers: ClinVar variation 1011133 (VCV001011133.11), dbSNP rs1696131797, ClinGen allele CA351749273.

ClinVar aggregate classification (germline): Uncertain significance. Review status: criteria provided, multiple submitters, no conflicts (2 of 4 stars). 2 submissions from 2 submitters: Uncertain significance (2). Last evaluated 2025-11-05.

Conditions:
Chuvash polycythemia. Also called: POLYCYTHEMIA, VHL-DEPENDENT. Identifiers: Orphanet 238557, MedGen C1837915, MONDO:0009892, OMIM 263400.
Von Hippel-Lindau syndrome (VHLS). Also called: VHL syndrome; von Hippel–Lindau syndrome; Von Hippel-Lindau. Identifiers: Orphanet 892, MedGen C0019562, MONDO:0008667, OMIM 193300. Disease mechanism: loss of function.
Hereditary cancer-predisposing syndrome. Also called: Tumor predisposition; Hereditary Cancer Syndrome; Neoplastic Syndromes, Hereditary; Hereditary neoplastic syndrome. Identifiers: Orphanet 140162, MedGen C0027672, MeSH D009386, MONDO:0015356.

Submissions (2):

Labcorp Genetics (formerly Invitae), Labcorp
Classification: Uncertain significance for Von Hippel-Lindau syndrome; Chuvash polycythemia. Last evaluated: 2025-11-05. Review status: criteria provided, single submitter. Criteria: Invitae Variant Classification Sherloc (09022015). Collection method: clinical testing. Allele origin: germline.
Comment: This sequence change replaces cysteine, which is neutral and slightly polar, with serine, which is neutral and polar, at codon 77 of the VHL protein (p.Cys77Ser). This variant is not present in population databases (gnomAD no frequency). This variant has not been reported in the literature in individuals affected with VHL-related conditions. ClinVar contains an entry for this variant (Variation ID: 1011133). Invitae Evidence Modeling of protein sequence and biophysical properties (such as structural, functional, and spatial information, amino acid conservation, physicochemical variation, residue mobility, and thermodynamic stability) indicates that this missense variant is expected to disrupt VHL protein function with a positive predictive value of 95%. In summary, the available evidence is currently insufficient to determine the role of this variant in disease. Therefore, it has been classified as a Variant of Uncertain Significance.

Ambry Genetics
Classification: Uncertain significance for Hereditary cancer-predisposing syndrome. Last evaluated: 2024-09-19. Review status: criteria provided, single submitter. Criteria: Ambry Variant Classification Scheme 2023. Collection method: clinical testing. Allele origin: germline.
Comment: The p.C77S variant (also known as c.230G>C), located in coding exon 1 of the VHL gene, results from a G to C substitution at nucleotide position 230. The cysteine at codon 77 is replaced by serine, an amino acid with dissimilar properties. This amino acid position is well conserved in available vertebrate species. In addition, this alteration is predicted to be deleterious by in silico analysis. Based on the available evidence, the clinical significance of this variant remains unclear.